The following is an entry in ClinVar:

NM_006379.5(SEMA3C):c.396T>C (p.Ser132=)

Gene: SEMA3C (semaphorin 3C; minus strand). Cytogenetic location: 7q21.11.
Variant type: single nucleotide variant.
Coding change: c.396T>C on transcript NM_006379.5 (MANE Select); coding-DNA position 396, T replaced by C.
Protein change: p.Ser132=; no amino-acid change (serine 132 retained).
Molecular consequence: synonymous variant.
Genome position (GRCh38, 1-based): chr7:80,818,350, A>G on the plus strand (T>C on the coding strand, the complement: SEMA3C is on the minus strand). VCF-style: chr7-80818350-A-G. GRCh37 (hg19) VCF-style: chr7-80447666-A-G.
Other names: c.450T>C, p.Ser150= (NM_001350120.2); c.222T>C, p.Ser74= (NM_001350121.2).
Identifiers: ClinVar variation 3047839 (VCV003047839.2), dbSNP rs764501252, ClinGen allele CA4316452.

ClinVar aggregate classification (germline): Likely benign (0 of 4 stars; one submission).

Conditions:
SEMA3C-related disorder. Also called: SEMA3C-related condition.

Allele frequency attached by ClinVar (database versions not stated): gnomAD exomes 0.00004; ExAC 0.00011; gnomAD 0.00034; TOPMed 0.00035.
gnomAD v4.1: 112 of 1,613,646 alleles (0.0069%); highest among the groups gnomAD compares: Admixed American, 0.18%; 1 homozygote.

Submission:

PreventionGenetics, part of Exact Sciences
Classification: Likely benign for SEMA3C-related condition. Last evaluated: 2021-06-28. Review status: no assertion criteria provided. Collection method: clinical testing. Allele origin: germline.
Comment: This variant is classified as likely benign based on ACMG/AMP sequence variant interpretation guidelines (Richards et al. 2015 PMID: 25741868, with internal and published modifications).